The following is an entry in ClinVar:

NM_022455.5(NSD1):c.7003C>T (p.Pro2335Ser)

Gene: NSD1 (nuclear receptor binding SET domain protein 1; plus strand). Cytogenetic location: 5q35.3.
Variant type: single nucleotide variant.
Coding change: c.7003C>T on transcript NM_022455.5 (MANE Select); coding-DNA position 7003, C replaced by T.
Protein change: p.Pro2335Ser; replaces proline 2335 with serine.
Molecular consequence: missense variant.
Genome position (GRCh38, 1-based): chr5:177,294,371, C>T. VCF-style: chr5-177294371-C-T. GRCh37 (hg19) VCF-style: chr5-176721372-C-T.
Other names: c.6130C>T, p.Pro2044Ser (NM_001365684.2, NM_001409308.1, NM_172349.5); c.7003C>T, p.Pro2335Ser (NM_001409301.1, NM_001409302.1, NM_001409303.1); c.6583C>T, p.Pro2195Ser (NM_001409304.1); c.6250C>T, p.Pro2084Ser (NM_001409305.1); c.6241C>T, p.Pro2081Ser (NM_001409306.1, NM_001409307.1); c.5881C>T, p.Pro1961Ser (NM_001409309.1); short protein forms P1961S, P2081S, P2084S, P2195S, P2044S, P2335S.
Identifiers: ClinVar variation 3407973 (VCV003407973.4).
Genomic context (GRCh38, chr5:177,294,371, plus strand): 5'-CCACTGGACAGGCCACCAGCAGTGGCAGGACCAAGACCCCAGCTAAGCGACAAACCCTCT[C>T]CAGTGACCAGCCCAAGCTCCTCACCCTCAGTCAGGTCCCAACCACTGGAAAGACCTCTGG-3'
Protein context (NP_071900.2, residues 2325-2345): PRPQLSDKPS[Pro2335Ser]VTSPSSSPSV

ClinVar aggregate classification (germline): Conflicting classifications of pathogenicity. Review status: criteria provided, conflicting classifications (1 of 4 stars). 3 submissions from 3 submitters: Uncertain significance (2); Likely benign (1). Last evaluated 2025-06-27.

Conditions:
Inborn genetic diseases. Identifiers: MedGen C0950123, MeSH D030342.

gnomAD v4.1: 14 of 1,614,212 alleles (0.00087%); highest among the groups gnomAD compares: Non-Finnish European, 0.0011%; no homozygotes.

Submissions (3):

GeneDx
Classification: Uncertain significance. Last evaluated: 2025-06-27. Review status: criteria provided, single submitter. Criteria: GeneDx Variant Classification Process June 2021. Collection method: clinical testing. Allele origin: germline. Affected: yes.
Comment: Has not been previously published as pathogenic or benign to our knowledge; In silico analysis suggests that this missense variant does not alter protein structure/function

Ambry Genetics
Classification: Uncertain significance for Inborn genetic diseases. Last evaluated: 2024-11-14. Review status: criteria provided, single submitter. Criteria: Ambry Variant Classification Scheme 2023. Collection method: clinical testing. Allele origin: germline.

Labcorp Genetics (formerly Invitae), Labcorp
Classification: Likely benign. Last evaluated: 2023-11-16. Review status: criteria provided, single submitter. Criteria: Invitae Variant Classification Sherloc (09022015). Collection method: clinical testing. Allele origin: germline.